The following is an entry in ClinVar:

ClinVar aggregate classification (germline): Uncertain significance (1 of 4 stars; one submission).

Submission:

Ambry Genetics
Classification: Uncertain significance. Last evaluated: 2025-03-14. Review status: criteria provided, single submitter. Criteria: Ambry Variant Classification Scheme 2023. Collection method: clinical testing. Allele origin: germline.
Comment: The p.D418E variant (also known as c.1254C>A), located in coding exon 7 of the GALNT12 gene, results from a C to A substitution at nucleotide position 1254. The aspartic acid at codon 418 is replaced by glutamic acid, an amino acid with highly similar properties. This amino acid position is conserved. In addition, this alteration is predicted to be tolerated by in silico analysis. Based on the available evidence, the clinical significance of this variant remains unclear.

NM_024642.5(GALNT12):c.1254C>A (p.Asp418Glu)

Gene: GALNT12 (polypeptide N-acetylgalactosaminyltransferase 12; plus strand). Cytogenetic location: 9q22.33.
Variant type: single nucleotide variant.
Coding change: c.1254C>A on transcript NM_024642.5 (MANE Select); coding-DNA position 1254, C replaced by A.
Protein change: p.Asp418Glu; replaces aspartic acid 418 with glutamic acid.
Molecular consequence: missense variant.
Genome position (GRCh38, 1-based): chr9:98,840,043, C>A. VCF-style: chr9-98840043-C-A. GRCh37 (hg19) VCF-style: chr9-101602325-C-A.
Other names: short protein forms D418E.
Identifiers: ClinVar variation 3852684 (VCV003852684.1).